The following is an entry in ClinVar:

NM_001205293.3(CACNA1E):c.6901A>G (p.Asn2301Asp)

Gene: CACNA1E (calcium voltage-gated channel subunit alpha1 E; plus strand). Cytogenetic location: 1q25.3.
Variant type: single nucleotide variant.
Coding change: c.6901A>G on transcript NM_001205293.3 (MANE Select); coding-DNA position 6901, A replaced by G.
Protein change: p.Asn2301Asp; replaces asparagine 2301 with aspartic acid.
Molecular consequence: missense variant.
Genome position (GRCh38, 1-based): chr1:181,798,793, A>G. VCF-style: chr1-181798793-A-G. GRCh37 (hg19) VCF-style: chr1-181767929-A-G.
Other names: c.6772A>G, p.Asn2258Asp (NM_000721.4); c.6715A>G, p.Asn2239Asp (NM_001205294.2); c.6772A>G (NM_000721.3); short protein forms N2239D, N2258D, N2301D.
Identifiers: ClinVar variation 1679644 (VCV001679644.2), dbSNP rs1662050689, ClinGen allele CA343845883.

ClinVar aggregate classification (germline): Uncertain significance. Review status: criteria provided, multiple submitters, no conflicts (2 of 4 stars). 2 submissions from 2 submitters: Uncertain significance (2). Last evaluated 2024-12-03.

Conditions:
Developmental and epileptic encephalopathy, 69. Also called: EPILEPTIC ENCEPHALOPATHY, EARLY INFANTILE, 69. Identifiers: MedGen C4748988, MONDO:0032657, OMIM 618285.

Allele frequency attached by ClinVar (database versions not stated): gnomAD exomes below 0.00001; TOPMed below 0.00001; gnomAD 0.00001.
gnomAD v4.1: 3 of 1,552,870 alleles (0.00019%); highest among the groups gnomAD compares: African/African-American, 0.0027%; no homozygotes.

Submissions (2):

GeneDx
Classification: Uncertain significance. Last evaluated: 2024-12-03. Review status: criteria provided, single submitter. Criteria: GeneDx Variant Classification Process June 2021. Collection method: clinical testing. Allele origin: germline. Affected: yes.
Comment: Not observed at significant frequency in large population cohorts (gnomAD); In silico analysis indicates that this missense variant does not alter protein structure/function; Has not been previously published as pathogenic or benign to our knowledge

New York Genome Center
Classification: Uncertain significance for Developmental and epileptic encephalopathy, 69. Last evaluated: 2021-06-22. Review status: criteria provided, single submitter. Criteria: NYGC Assertion Criteria 2020. Collection method: clinical testing. Allele origin: germline. Observed: 1 heterozygote. Study: CSER-NYCKidSeq.